The following is an entry in ClinVar:

NM_007186.6(CEP250):c.3167+2T>C

Gene: CEP250 (centrosomal protein 250; plus strand). Cytogenetic location: 20q11.22.
Variant type: single nucleotide variant.
Coding change: c.3167+2T>C on transcript NM_007186.6 (MANE Select); the canonical splice donor site of the intron after coding-DNA position 3167, T replaced by C.
Molecular consequence: splice donor variant.
Genome position (GRCh38, 1-based): chr20:35,494,659, T>C. VCF-style: chr20-35494659-T-C. GRCh37 (hg19) VCF-style: chr20-34082486-T-C.
Other names: c.1271+2T>C (NM_001318219.1).
Identifiers: ClinVar variation 1480130 (VCV001480130.6), dbSNP rs910609696, ClinGen allele CA314153006.

ClinVar aggregate classification (germline): Likely pathogenic (1 of 4 stars; one submission).

Submission:

Labcorp Genetics (formerly Invitae), Labcorp
Classification: Likely pathogenic. Last evaluated: 2026-01-06. Review status: criteria provided, single submitter. Criteria: Invitae Variant Classification Sherloc (09022015). Collection method: clinical testing. Allele origin: germline.
Comment: This sequence change affects a donor splice site in intron 24 of the CEP250 gene. It is expected to disrupt RNA splicing. Variants that disrupt the donor or acceptor splice site typically lead to a loss of protein function (PMID: 16199547), and loss-of-function variants in CEP250 are known to be pathogenic (PMID: 24780881, 29718797). This variant is not present in population databases (gnomAD no frequency). This variant has not been reported in the literature in individuals affected with CEP250-related conditions. ClinVar contains an entry for this variant (Variation ID: 1480130). Algorithms developed to predict the effect of sequence changes on RNA splicing suggest that this variant may disrupt the consensus splice site. In summary, the currently available evidence indicates that the variant is pathogenic, but additional data are needed to prove that conclusively. Therefore, this variant has been classified as Likely Pathogenic.

Literature cited by the submitters: PubMed 16199547; PubMed 24780881; PubMed 29718797.